The following is an entry in ClinVar:

NM_001360016.2(G6PD):c.1354_1358del (p.Phe452fs)

Gene: G6PD (glucose-6-phosphate dehydrogenase; minus strand). Cytogenetic location: Xq28.
Variant type: Deletion.
Coding change: c.1354_1358del on transcript NM_001360016.2 (MANE Select); coding-DNA positions 1354 to 1358, 5 bases deleted (TTCGT; older notation c.1354_1358delTTCGT).
Protein change: p.Phe452fs; shifts the reading frame from phenylalanine 452.
Molecular consequence: frameshift variant.
Genome position (GRCh38, 1-based): chrX:154,532,392-154,532,396, ACGAA deleted on the plus strand (TTCGT on the coding strand, the reverse complement: G6PD is on the minus strand). VCF-style (leftmost placement, unchanged base first): chrX-154532391-CACGAA-C. GRCh37 (hg19) VCF-style: chrX-153760606-CACGAA-C.
Other names: c.1444_1448del, p.Phe482fs (NM_000402.4); c.1354_1358del, p.Phe452fs (NM_001042351.3); short protein forms F452fs, F482fs.
Identifiers: ClinVar variation 2745959 (VCV002745959.3), dbSNP rs2523261744, ClinGen allele CA2697544876.

ClinVar aggregate classification (germline): Pathogenic (1 of 4 stars; one submission).

Conditions:
Anemia, nonspherocytic hemolytic, due to G6PD deficiency (CNSHA1). Also called: Hemolytic anemia due to G6PD deficiency; Class I glucose-6-phosphate dehydrogenase deficiency; Favism, susceptibility to; ANEMIA, CONGENITAL, NONSPHEROCYTIC HEMOLYTIC, 1. Identifiers: Orphanet 466026, MedGen C2720289, MONDO:0010480, OMIM 300908.

Submission:

Labcorp Genetics (formerly Invitae), Labcorp
Classification: Pathogenic for Anemia, nonspherocytic hemolytic, due to G6PD deficiency. Last evaluated: 2023-07-22. Review status: criteria provided, single submitter. Criteria: Invitae Variant Classification Sherloc (09022015). Collection method: clinical testing. Allele origin: germline.
Comment: This sequence change creates a premature translational stop signal (p.Phe452Alafs*7) in the G6PD gene. It is expected to result in an absent or disrupted protein product. Loss-of-function variants in G6PD are known to be pathogenic (PMID: 18177777). This variant is not present in population databases (gnomAD no frequency). This variant has not been reported in the literature in individuals affected with G6PD-related conditions. For these reasons, this variant has been classified as Pathogenic.

Literature cited by the submitters: PubMed 18177777.